The following is an entry in ClinVar:

NM_001039591.3(USP9X):c.5636ATT[2] (p.Tyr1881del)

Gene: USP9X (ubiquitin specific peptidase 9 X-linked; plus strand). Cytogenetic location: Xp11.4.
Variant type: Microsatellite.
Coding change: c.5636ATT[2] on transcript NM_001039591.3 (MANE Select); two copies in a row of the 3-base unit ATT starting at c.5636; the reference has three copies in a row; one copy, 3 bases deleted.
Protein change: p.Tyr1881del; deletes tyrosine 1881.
Molecular consequence: inframe deletion. On other transcripts: inframe indel (2).
Genome position (GRCh38, 1-based): chrX:41,216,209-41,216,211, ATT deleted; deleting any 3 consecutive bases within chrX:41,216,203-41,216,211 gives the same sequence; the position shown is the placement nearest the transcript's 3' end. VCF-style (leftmost placement, unchanged base first): chrX-41216202-CATT-C. GRCh37 (hg19) VCF-style: chrX-41075455-CATT-C.
Other names: c.5636ATT[2], p.Tyr1881del (NM_001039590.3); c.5651_5653ATT[2], p.Tyr1886del (NM_001410748.1, NM_001410749.1); short protein forms Y1881del, Y1886del.
Identifiers: ClinVar variation 1804703 (VCV001804703.1), dbSNP rs2519371283, ClinGen allele CA658795149.

ClinVar aggregate classification (germline): Likely pathogenic (1 of 4 stars; one submission).

Conditions:
Intellectual developmental disorder, X-linked 99. Also called: Intellectual disability, X-linked 99. Identifiers: Orphanet 777, MedGen C3806746, MONDO:0010487, OMIM 300919.

Submission:

Women's Health and Genetics/Laboratory Corporation of America, LabCorp
Classification: Likely pathogenic for Intellectual developmental disorder, X-linked 99. Last evaluated: 2022-11-22. Review status: criteria provided, single submitter. Criteria: LabCorp Variant Classification Summary - May 2015. Collection method: clinical testing. Allele origin: germline.
Comment: Variant summary: USP9X c.5642_5644delATT (p.Tyr1881del) results in an in-frame deletion that is predicted to remove one amino acid from the encoded protein. The variant was absent in 182860 control chromosomes (gnomAD). The available data on variant occurrences in the general population are insufficient to allow any conclusion about variant significance. To our knowledge, no experimental evidence demonstrating an impact on protein function has been reported. No clinical diagnostic laboratories have submitted clinical-significance assessments for this variant to ClinVar after 2014. Based on the evidence outlined above, the variant was classified as likely pathogenic.

Literature cited by the submitters: PubMed 33298948.